The following is an entry in ClinVar:

NM_004722.4(AP4M1):c.803G>A (p.Arg268Gln)

Gene: AP4M1 (adaptor related protein complex 4 subunit mu 1; plus strand). Cytogenetic location: 7q22.1.
Variant type: single nucleotide variant.
Coding change: c.803G>A on transcript NM_004722.4 (MANE Select); coding-DNA position 803, G replaced by A.
Protein change: p.Arg268Gln; replaces arginine 268 with glutamine.
Molecular consequence: missense variant.
Genome position (GRCh38, 1-based): chr7:100,105,315, G>A. VCF-style: chr7-100105315-G-A. GRCh37 (hg19) VCF-style: chr7-99702938-G-A.
Other names: c.824G>A, p.Arg275Gln (NM_001363671.2); short protein forms R268Q, R275Q.
Identifiers: ClinVar variation 639232 (VCV000639232.11), dbSNP rs565296810, ClinGen allele CA4374800.

ClinVar aggregate classification (germline): Uncertain significance. Review status: criteria provided, multiple submitters, no conflicts (2 of 4 stars). 4 submissions from 4 submitters: Uncertain significance (4). Last evaluated 2024-09-24.

Conditions:
Hereditary spastic paraplegia 50 (SPG50). Also called: Spastic paraplegia 50, autosomal recessive. Identifiers: Orphanet 280763, MedGen C2752008, MONDO:0013048, OMIM 612936.

Allele frequency attached by ClinVar (database versions not stated): gnomAD 0.00002 and 0.00003; gnomAD exomes 0.00005 and 0.00013; TOPMed 0.00006; ExAC 0.00013.
gnomAD v4.1: 83 of 1,613,904 alleles (0.0051%); highest among the groups gnomAD compares: Middle Eastern, 0.016%; no homozygotes.

Submissions (4):

Blueprint Genetics
Classification: Uncertain significance. Last evaluated: 2024-09-24. Review status: criteria provided, single submitter. Criteria: ACMG Guidelines, 2015. Collection method: clinical testing. Allele origin: germline.

Labcorp Genetics (formerly Invitae), Labcorp
Classification: Uncertain significance for Hereditary spastic paraplegia 50. Last evaluated: 2022-08-31. Review status: criteria provided, single submitter. Criteria: Invitae Variant Classification Sherloc (09022015). Collection method: clinical testing. Allele origin: germline.
Comment: This sequence change replaces arginine, which is basic and polar, with glutamine, which is neutral and polar, at codon 268 of the AP4M1 protein (p.Arg268Gln). This variant is present in population databases (rs565296810, gnomAD 0.2%). This variant has not been reported in the literature in individuals affected with AP4M1-related conditions. ClinVar contains an entry for this variant (Variation ID: 639232). Algorithms developed to predict the effect of missense changes on protein structure and function (SIFT, PolyPhen-2, Align-GVGD) all suggest that this variant is likely to be disruptive. In summary, the available evidence is currently insufficient to determine the role of this variant in disease. Therefore, it has been classified as a Variant of Uncertain Significance.

Revvity Omics, Revvity
Classification: Uncertain significance for Hereditary spastic paraplegia 50. Last evaluated: 2022-03-02. Review status: criteria provided, single submitter. Criteria: ACMG Guidelines, 2015. Collection method: clinical testing. Allele origin: germline.

Breakthrough Genomics
Classification: Uncertain significance. Review status: criteria provided, single submitter. Criteria: ACMG Guidelines, 2015. Collection method: not provided. Allele origin: germline. Inheritance: Autosomal recessive inheritance. Affected: yes.